The following is an entry in ClinVar:

ClinVar aggregate classification (germline): Likely benign. Review status: criteria provided, single submitter (1 of 4 stars). 2 submissions from 2 submitters: Likely benign (1). 1 of the submissions does not count toward it. Last evaluated 2024-01-29.

Conditions:
Hereditary spastic paraplegia 7 (SPG7). Also called: SPASTIC PARAPLEGIA 7, AUTOSOMAL RECESSIVE, WITH OR WITHOUT CEREBELLAR ATAXIA; Spastic paraplegia 7; Hereditary spastic paraplegia Paraplegin type; Autosomal recessive spastic paraplegia type 7; SPG7-related neurologic disorder. Identifiers: Orphanet 99013, MedGen C1846564, MONDO:0011803, OMIM 607259.
SPG7-related disorder. Also called: SPG7-related condition.

Allele frequency attached by ClinVar (database versions not stated): gnomAD 0.00001; gnomAD exomes 0.00001 and 0.00004; ExAC 0.00002; TOPMed 0.00002; ESP Exome Variant Server 0.00008.

Submissions (2):

Labcorp Genetics (formerly Invitae), Labcorp
Classification: Likely benign for Hereditary spastic paraplegia 7. Last evaluated: 2024-01-29. Review status: criteria provided, single submitter. Criteria: Invitae Variant Classification Sherloc (09022015). Collection method: clinical testing. Allele origin: germline.

PreventionGenetics, part of Exact Sciences
Classification: Likely benign for SPG7-related condition. Last evaluated: 2019-03-22. Review status: no assertion criteria provided. Collection method: clinical testing. Allele origin: germline. Not counted in ClinVar's aggregate classification.
Comment: This variant is classified as likely benign based on ACMG/AMP sequence variant interpretation guidelines (Richards et al. 2015 PMID: 25741868, with internal and published modifications).

NM_003119.4(SPG7):c.504C>T (p.Asn168=)

Gene: SPG7 (SPG7 matrix AAA peptidase subunit, paraplegin; plus strand). Cytogenetic location: 16q24.3.
Variant type: single nucleotide variant.
Coding change: c.504C>T on transcript NM_003119.4 (MANE Select); coding-DNA position 504, C replaced by T.
Protein change: p.Asn168=; no amino-acid change (asparagine 168 retained).
Molecular consequence: synonymous variant.
Genome position (GRCh38, 1-based): chr16:89,524,133, C>T. VCF-style: chr16-89524133-C-T. GRCh37 (hg19) VCF-style: chr16-89590541-C-T.
Other names: c.504C>T (NM_003119.3); c.504C>T, p.Asn168= (NM_001363850.1, NM_199367.3).
Identifiers: ClinVar variation 1541812 (VCV001541812.10), dbSNP rs151078862, ClinGen allele CA8243659.
Genomic context (GRCh38, chr16:89,524,133, plus strand): 5'-CGCGGTTGTCATGAGCCTCCTGAATGCTCTCAGCACCAGCGGAGGCAGCATTTCCTGGAA[C>T]GACTTTGTCCACGAGATGCTGGCCAAGGGCGAGGTGCAGCGCGTCCAGGTGGTGCCTGAG-3'
Protein context (NP_003110.1, residues 158-178): LSTSGGSISW[Asn168=]DFVHEMLAKG